The following is an entry in ClinVar:

NM_001972.4(ELANE):c.97G>A (p.Gly33Ser)

Gene: ELANE (elastase, neutrophil expressed; plus strand). Cytogenetic location: 19p13.3.
Variant type: single nucleotide variant.
Coding change: c.97G>A on transcript NM_001972.4 (MANE Select); coding-DNA position 97, G replaced by A.
Protein change: p.Gly33Ser; replaces glycine 33 with serine.
Molecular consequence: missense variant.
Genome position (GRCh38, 1-based): chr19:852,905, G>A. VCF-style: chr19-852905-G-A. GRCh37 (hg19) VCF-style: chr19-852905-G-A.
Other names: short protein forms G33S.
Identifiers: ClinVar variation 4017418 (VCV004017418.2).
Genomic context (GRCh38, chr19:852,905, plus strand): 5'-CACTCAGCACCCGCACCCGGTGTGTCCCCAGGCACCGCGCTGGCCTCGGAGATTGTGGGG[G>A]GCCGGCGAGCGCGGCCCCACGCGTGGCCCTTCATGGTGTCCCTGCAGCTGCGCGGAGGCC-3'
Protein context (NP_001963.1, residues 23-43): GTALASEIVG[Gly33Ser]RRARPHAWPF

ClinVar aggregate classification (germline): Uncertain significance. Review status: criteria provided, multiple submitters, no conflicts (2 of 4 stars). 2 submissions from 2 submitters: Uncertain significance (2). Last evaluated 2026-02-02.

Conditions:
Inborn genetic diseases. Identifiers: MedGen C0950123, MeSH D030342.

Submissions (2):

GeneDx
Classification: Uncertain significance. Last evaluated: 2026-02-02. Review status: criteria provided, single submitter. Criteria: GeneDx Variant Classification Process June 2021. Collection method: clinical testing. Allele origin: germline.
Comment: Not observed at significant frequency in large population cohorts (gnomAD); In silico analysis supports that this missense variant has a deleterious effect on protein structure/function; Has not been previously published as pathogenic or benign to our knowledge

Ambry Genetics
Classification: Uncertain significance for Inborn genetic diseases. Last evaluated: 2025-05-20. Review status: criteria provided, single submitter. Criteria: Ambry Variant Classification Scheme 2023. Collection method: clinical testing. Allele origin: germline.